The following is an entry in ClinVar:

ClinVar aggregate classification (germline): Uncertain significance. Review status: criteria provided, multiple submitters, no conflicts (2 of 4 stars). 2 submissions from 2 submitters: Uncertain significance (2). Last evaluated 2026-01-15.

Conditions:
Hereditary nonpolyposis colorectal neoplasms. Identifiers: MedGen C0009405, MeSH D003123.
Hereditary cancer-predisposing syndrome. Also called: Tumor predisposition; Hereditary Cancer Syndrome; Hereditary neoplastic syndrome; Neoplastic Syndromes, Hereditary. Identifiers: Orphanet 140162, MedGen C0027672, MeSH D009386, MONDO:0015356.

Submissions (2):

Ambry Genetics
Classification: Uncertain significance for Hereditary cancer-predisposing syndrome. Last evaluated: 2026-01-15. Review status: criteria provided, single submitter. Criteria: Ambry Variant Classification Scheme 2023. Collection method: clinical testing. Allele origin: germline.
Comment: The p.S1329T variant (also known as c.3985T>A), located in coding exon 9 of the MSH6 gene, results from a T to A substitution at nucleotide position 3985. The serine at codon 1329 is replaced by threonine, an amino acid with similar properties. This amino acid position is conserved. In addition, the in silico prediction for this alteration is inconclusive. Based on the available evidence, the clinical significance of this variant remains unclear.

Labcorp Genetics (formerly Invitae), Labcorp
Classification: Uncertain significance for Hereditary nonpolyposis colorectal neoplasms. Last evaluated: 2025-08-07. Review status: criteria provided, single submitter. Criteria: Invitae Variant Classification Sherloc (09022015). Collection method: clinical testing. Allele origin: germline.
Comment: This sequence change replaces serine, which is neutral and polar, with threonine, which is neutral and polar, at codon 1329 of the MSH6 protein (p.Ser1329Thr). This variant is not present in population databases (gnomAD no frequency). This variant has not been reported in the literature in individuals affected with MSH6-related conditions. ClinVar contains an entry for this variant (Variation ID: 2766626). Invitae Evidence Modeling of protein sequence and biophysical properties (such as structural, functional, and spatial information, amino acid conservation, physicochemical variation, residue mobility, and thermodynamic stability) indicates that this missense variant is not expected to disrupt MSH6 protein function with a negative predictive value of 95%. In summary, the available evidence is currently insufficient to determine the role of this variant in disease. Therefore, it has been classified as a Variant of Uncertain Significance.

NM_000179.3(MSH6):c.3985T>A (p.Ser1329Thr)

Gene: MSH6 (mutS homolog 6; plus strand). Cytogenetic location: 2p16.3.
Variant type: single nucleotide variant.
Coding change: c.3985T>A on transcript NM_000179.3 (MANE Select); coding-DNA position 3985, T replaced by A.
Protein change: p.Ser1329Thr; replaces serine 1329 with threonine.
Molecular consequence: missense variant. On other transcripts: 3 prime UTR variant (1), non-coding transcript variant (5), intron variant (1).
Genome position (GRCh38, 1-based): chr2:47,806,635, T>A. VCF-style: chr2-47806635-T-A. GRCh37 (hg19) VCF-style: chr2-48033774-T-A.
Other names: c.3595T>A, p.Ser1199Thr (NM_001281492.2); c.3079T>A, p.Ser1027Thr (NM_001281493.2, NM_001281494.2, NM_001406814.1 and 6 more transcripts); c.4081T>A, p.Ser1361Thr (NM_001406795.1); c.3985T>A, p.Ser1329Thr (NM_001406796.1, NM_001406808.1, NM_001406809.1); c.3688T>A, p.Ser1230Thr (NM_001406797.1, NM_001406801.1, NM_001406818.1 and 10 more transcripts); c.3811T>A, p.Ser1271Thr (NM_001406798.1); c.3460T>A, p.Ser1154Thr (NM_001406799.1, NM_001406806.1, NM_001406807.1); c.*6T>A (NM_001406800.1); and 9 more; short protein forms S1154T, S1271T, S1199T, S1331T, S644T, S807T, S1230T, S278T.
Identifiers: ClinVar variation 2766626 (VCV002766626.4), dbSNP rs2104567294, ClinGen allele CA346761585.